The following is an entry in ClinVar:

NM_033056.4(PCDH15):c.5236C>A (p.Pro1746Thr)

Gene: PCDH15 (protocadherin related 15; minus strand). Cytogenetic location: 10q21.1.
Variant type: single nucleotide variant.
Coding change: c.5236C>A on transcript NM_033056.4 (MANE Plus Clinical); coding-DNA position 5236, C replaced by A.
Protein change: p.Pro1746Thr; replaces proline 1746 with threonine.
Molecular consequence: missense variant. On other transcripts: intron variant (8).
Genome position (GRCh38, 1-based): chr10:53,822,490, G>T on the plus strand (C>A on the coding strand, the complement: PCDH15 is on the minus strand). VCF-style: chr10-53822490-G-T. GRCh37 (hg19) VCF-style: chr10-55582250-G-T.
Other names: c.5257C>A, p.Pro1753Thr (NM_001142763.2); c.5242C>A, p.Pro1748Thr (NM_001142764.2); c.5029C>A, p.Pro1677Thr (NM_001142765.2); c.5227C>A, p.Pro1743Thr (NM_001142766.2); c.5116C>A, p.Pro1706Thr (NM_001142767.2); c.5176C>A, p.Pro1726Thr (NM_001142768.2); c.5167C>A, p.Pro1723Thr (NM_001142773.2); c.5170C>A, p.Pro1724Thr (NM_001354404.2); and 7 more; short protein forms P1753T, P1726T, P1743T, P1677T, P1706T, P1723T, P1748T, P1724T.
Identifiers: ClinVar variation 948502 (VCV000948502.8), dbSNP rs762526774, ClinGen allele CA5505097.

ClinVar aggregate classification (germline): Conflicting classifications of pathogenicity. Review status: criteria provided, conflicting classifications (1 of 4 stars). 5 submissions from 5 submitters: Uncertain significance (3); Likely benign (1). 1 of the submissions does not count toward it. Last evaluated 2024-09-09.

Conditions:
Usher syndrome type 1F (USH1F). Also called: USHER SYNDROME, TYPE IF. Identifiers: Orphanet 231169, Orphanet 886, MedGen C1865885, MONDO:0011186, OMIM 602083.
Meniere disease. Also called: Ménière's disease. Identifiers: MedGen C0025281, MONDO:0007972, OMIM 156000.

Allele frequency attached by ClinVar (database versions not stated): TOPMed 0.00004; ExAC 0.00002; gnomAD exomes 0.00001 and 0.00002; gnomAD 0.00003.
gnomAD v4.1: 20 of 1,568,682 alleles (0.0013%); highest among the groups gnomAD compares: Middle Eastern, 0.033%; no homozygotes.

Submissions (5):

Blueprint Genetics
Classification: Likely benign. Last evaluated: 2024-09-09. Review status: criteria provided, single submitter. Criteria: ACMG Guidelines, 2015. Collection method: clinical testing. Allele origin: germline.

Labcorp Genetics (formerly Invitae), Labcorp
Classification: Uncertain significance. Last evaluated: 2022-10-18. Review status: criteria provided, single submitter. Criteria: Invitae Variant Classification Sherloc (09022015). Collection method: clinical testing. Allele origin: germline.
Comment: This sequence change replaces proline, which is neutral and non-polar, with threonine, which is neutral and polar, at codon 1746 of the PCDH15 protein (p.Pro1746Thr). This variant is present in population databases (rs762526774, gnomAD 0.003%). This variant has not been reported in the literature in individuals affected with PCDH15-related conditions. ClinVar contains an entry for this variant (Variation ID: 948502). Algorithms developed to predict the effect of missense changes on protein structure and function are either unavailable or do not agree on the potential impact of this missense change (SIFT: "Tolerated"; PolyPhen-2: "Not Available"; Align-GVGD: "Class C0"). In summary, the available evidence is currently insufficient to determine the role of this variant in disease. Therefore, it has been classified as a Variant of Uncertain Significance.

Otology & Neurotology- Genomics of vestibular disorders (CTS-495), Jose Antonio López Escámez, Centro Pfizer - Universidad de Granada - Junta de Andalucía de Genómica e Investigación Oncológica (GENYO)
Classification: Uncertain significance for Meniere disease. Last evaluated: 2021-06-21. Review status: criteria provided, single submitter. Criteria: ACMG Guidelines, 2015. Collection method: case-control. Allele origin: inherited. Affected: yes.
Comment: Digenic inheritance along with NM_000260.4:c.6626G>A(MYO7A)

Breakthrough Genomics
Classification: Uncertain significance. Review status: criteria provided, single submitter. Criteria: ACMG Guidelines, 2015. Collection method: not provided. Allele origin: germline. Inheritance: Autosomal recessive inheritance. Affected: yes.

Natera, Inc.
Classification: Uncertain significance for Usher syndrome type 1F. Last evaluated: 2020-02-26. Review status: no assertion criteria provided. Collection method: clinical testing. Allele origin: germline. Not counted in ClinVar's aggregate classification.